The following is an entry in ClinVar:

ClinVar aggregate classification (germline): Benign (0 of 4 stars; one submission).

Conditions:
PLXNA4-related disorder. Also called: PLXNA4-related condition.

Allele frequency attached by ClinVar (database versions not stated): ESP Exome Variant Server 0.01772; TOPMed 0.05234; ExAC 0.06060; 1000 Genomes Project 30x 0.09697; 1000 Genomes Project 0.09744.
gnomAD v4.1: 65,110 of 1,613,946 alleles (4%); highest among the groups gnomAD compares: East Asian, 23%; 3,445 homozygotes.

Submission:

PreventionGenetics, part of Exact Sciences
Classification: Benign for PLXNA4-related condition. Last evaluated: 2022-07-19. Review status: no assertion criteria provided. Collection method: clinical testing. Allele origin: germline.
Comment: This variant is classified as benign based on ACMG/AMP sequence variant interpretation guidelines (Richards et al. 2015 PMID: 25741868, with internal and published modifications).

NM_020911.2(PLXNA4):c.3876C>A (p.Ala1292=)

Gene: PLXNA4 (plexin A4; minus strand). Cytogenetic location: 7q32.3.
Variant type: single nucleotide variant.
Coding change: c.3876C>A on transcript NM_020911.2 (MANE Select); coding-DNA position 3876, C replaced by A.
Protein change: p.Ala1292=; no amino-acid change (alanine 1292 retained).
Molecular consequence: synonymous variant.
Genome position (GRCh38, 1-based): chr7:132,174,919, G>T on the plus strand (C>A on the coding strand, the complement: PLXNA4 is on the minus strand). VCF-style: chr7-132174919-G-T. GRCh37 (hg19) VCF-style: chr7-131859678-G-T.
Other names: c.3876C>A, p.Ala1292= (NM_001393897.1).
Identifiers: ClinVar variation 3060616 (VCV003060616.2), dbSNP rs13232207, ClinGen allele CA4489336.